The following is an entry in ClinVar:

ClinVar aggregate classification (germline): Uncertain significance (1 of 4 stars; one submission).

Submission:

Labcorp Genetics (formerly Invitae), Labcorp
Classification: Uncertain significance. Last evaluated: 2025-05-13. Review status: criteria provided, single submitter. Criteria: Invitae Variant Classification Sherloc (09022015). Collection method: clinical testing. Allele origin: germline.
Comment: This sequence change replaces asparagine, which is neutral and polar, with lysine, which is basic and polar, at codon 379 of the CLIC5 protein (p.Asn379Lys). This variant is not present in population databases (gnomAD no frequency). This variant has not been reported in the literature in individuals affected with CLIC5-related conditions. An algorithm developed to predict the effect of missense changes on protein structure and function (PolyPhen-2) suggests that this variant is likely to be disruptive. In summary, the available evidence is currently insufficient to determine the role of this variant in disease. Therefore, it has been classified as a Variant of Uncertain Significance.

NM_016929.5(CLIC5):c.660C>G (p.Asn220Lys)

Gene: CLIC5 (chloride intracellular channel 5; minus strand). Cytogenetic location: 6p21.1.
Variant type: single nucleotide variant.
Coding change: c.660C>G on transcript NM_016929.5 (MANE Select); coding-DNA position 660, C replaced by G.
Protein change: p.Asn220Lys; replaces asparagine 220 with lysine.
Molecular consequence: missense variant. On other transcripts: non-coding transcript variant (2).
Genome position (GRCh38, 1-based): chr6:45,903,184, G>C on the plus strand (C>G on the coding strand, the complement: CLIC5 is on the minus strand). VCF-style: chr6-45903184-G-C. GRCh37 (hg19) VCF-style: chr6-45870921-G-C.
Other names: c.1137C>G, p.Asn379Lys (NM_001114086.2, NM_001370650.1); c.543C>G, p.Asn181Lys (NM_001370649.1); short protein forms N181K, N220K, N379K.
Identifiers: ClinVar variation 4809719 (VCV004809719.1).